The following is an entry in ClinVar:

NM_006206.6(PDGFRA):c.2368C>T (p.Leu790Phe)

Gene: PDGFRA (platelet derived growth factor receptor alpha; plus strand). Cytogenetic location: 4q12.
Variant type: single nucleotide variant.
Coding change: c.2368C>T on transcript NM_006206.6 (MANE Select); coding-DNA position 2368, C replaced by T.
Protein change: p.Leu790Phe; replaces leucine 790 with phenylalanine.
Molecular consequence: missense variant.
Genome position (GRCh38, 1-based): chr4:54,285,415, C>T. VCF-style: chr4-54285415-C-T. GRCh37 (hg19) VCF-style: chr4-55151582-C-T.
Other names: c.2443C>T, p.Leu815Phe (NM_001347828.2); c.2368C>T, p.Leu790Phe (NM_001347829.2); c.2407C>T, p.Leu803Phe (NM_001347830.2); short protein forms L790F, L803F, L815F.
Identifiers: ClinVar variation 843918 (VCV000843918.10), dbSNP rs771661933, ClinGen allele CA2922846.

ClinVar aggregate classification (germline): Conflicting classifications of pathogenicity. Review status: criteria provided, conflicting classifications (1 of 4 stars). 2 submissions from 2 submitters: Uncertain significance (1); Likely benign (1). Last evaluated 2025-12-08.

Conditions:
Hereditary cancer-predisposing syndrome. Also called: Neoplastic Syndromes, Hereditary; Tumor predisposition; Hereditary Cancer Syndrome; Hereditary neoplastic syndrome. Identifiers: Orphanet 140162, MedGen C0027672, MeSH D009386, MONDO:0015356.
Gastrointestinal stromal tumor. Also called: Gastrointestinal stromal tumor, somatic; Gastrointestinal stroma tumor. Identifiers: Orphanet 44890, MedGen C0238198, MeSH D046152, MONDO:0011719, OMIM 606764, HP:0100723.

Allele frequency attached by ClinVar (database versions not stated): gnomAD exomes 0.00001 and 0.00004; TOPMed 0.00003; ExAC 0.00006.
gnomAD v4.1: 11 of 1,581,358 alleles (0.0007%); highest among the groups gnomAD compares: Admixed American, 0.018%; no homozygotes.

Submissions (2):

Labcorp Genetics (formerly Invitae), Labcorp
Classification: Uncertain significance for Gastrointestinal stromal tumor. Last evaluated: 2025-12-08. Review status: criteria provided, single submitter. Criteria: Invitae Variant Classification Sherloc (09022015). Collection method: clinical testing. Allele origin: germline.
Comment: This sequence change replaces leucine, which is neutral and non-polar, with phenylalanine, which is neutral and non-polar, at codon 790 of the PDGFRA protein (p.Leu790Phe). This variant is present in population databases (rs771661933, gnomAD 0.03%). This variant has not been reported in the literature in individuals affected with PDGFRA-related conditions. ClinVar contains an entry for this variant (Variation ID: 843918). Invitae Evidence Modeling of protein sequence and biophysical properties (such as structural, functional, and spatial information, amino acid conservation, physicochemical variation, residue mobility, and thermodynamic stability) has been performed for this missense variant. However, the output from this modeling did not meet the statistical confidence thresholds required to predict the impact of this variant on PDGFRA protein function. In summary, the available evidence is currently insufficient to determine the role of this variant in disease. Therefore, it has been classified as a Variant of Uncertain Significance.

Ambry Genetics
Classification: Likely benign for Hereditary cancer-predisposing syndrome. Last evaluated: 2022-10-05. Review status: criteria provided, single submitter. Criteria: Ambry Variant Classification Scheme 2023. Collection method: clinical testing. Allele origin: germline.